The following is an entry in ClinVar:

NM_002637.4(PHKA1):c.3540C>T (p.Pro1180=)

Gene: PHKA1 (phosphorylase kinase regulatory subunit alpha 1; minus strand). Cytogenetic location: Xq13.1.
Variant type: single nucleotide variant.
Coding change: c.3540C>T on transcript NM_002637.4 (MANE Select); coding-DNA position 3540, C replaced by T.
Protein change: p.Pro1180=; no amino-acid change (proline 1180 retained).
Molecular consequence: synonymous variant.
Genome position (GRCh38, 1-based): chrX:72,581,134, G>A on the plus strand (C>T on the coding strand, the complement: PHKA1 is on the minus strand). VCF-style: chrX-72581134-G-A. GRCh37 (hg19) VCF-style: chrX-71800984-G-A.
Other names: c.3501C>T, p.Pro1167= (NM_001122670.2); c.3324C>T, p.Pro1108= (NM_001172436.2).
Identifiers: ClinVar variation 387009 (VCV000387009.1), dbSNP rs782121327, ClinGen allele CA10450436.

ClinVar aggregate classification (germline): Likely benign (1 of 4 stars; one submission).

Allele frequency attached by ClinVar (database versions not stated): ExAC 0.00001; gnomAD 0.00001; TOPMed 0.00001.
gnomAD v4.1: 4 of 1,198,211 alleles (0.00033%); highest among the groups gnomAD compares: East Asian, 0.003%; no homozygotes.

Submission:

GeneDx
Classification: Likely benign. Last evaluated: 2016-07-08. Review status: criteria provided, single submitter. Criteria: GeneDx Variant Classification (06012015). Collection method: clinical testing. Allele origin: germline. Affected: yes.
Comment: This variant is considered likely benign or benign based on one or more of the following criteria: it is a conservative change, it occurs at a poorly conserved position in the protein, it is predicted to be benign by multiple in silico algorithms, and/or has population frequency not consistent with disease.